The following is an entry in ClinVar:

ClinVar aggregate classification (germline): Likely pathogenic (1 of 4 stars; one submission).

Conditions:
Zellweger spectrum disorders (ZS). Also called: Zellweger Spectrum Disorder (ZSD); Zellweger syndrome; Zellweger Spectrum Disorder; Zellweger Spectrum. Identifiers: Orphanet 912, MedGen C0043459, MONDO:0019609.

Submission:

Natera, Inc.
Classification: Likely pathogenic for Zellweger syndrome. Last evaluated: 2024-11-27. Review status: criteria provided, single submitter. Criteria: Natera Variant Classification Schema (03/2026). Collection method: clinical testing. Allele origin: germline.
Comment: The c.408del variant in PEX2 is a frameshift variant predicted to shift the reading frame beginning at codon 136 and leads to a stop codon 4 codons downstream. This variant is expected to result in nonsense mediated decay, truncation, or a dysfunctional protein product. This variant is rare in the general population with a frequency below the threshold expected for the associated phenotype(s). Given the available evidence, this variant is classified as Likely Pathogenic.

NM_000318.3(PEX2):c.408del (p.Lys136fs)

Gene: PEX2 (peroxisomal biogenesis factor 2; minus strand). Cytogenetic location: 8q21.13.
Variant type: Deletion.
Coding change: c.408del on transcript NM_000318.3 (MANE Select); coding-DNA position 408, one base deleted (G; older notation c.408delG).
Protein change: p.Lys136fs; shifts the reading frame from lysine 136.
Molecular consequence: frameshift variant.
Genome position (GRCh38, 1-based): chr8:76,983,771, C deleted on the plus strand (G on the coding strand, the reverse complement: PEX2 is on the minus strand). VCF-style (leftmost placement, unchanged base first): chr8-76983770-GC-G. GRCh37 (hg19) VCF-style: chr8-77896006-GC-G.
Other names: c.408del, p.Lys136fs (NM_001079867.2, NM_001172086.2, NM_001172087.2); short protein forms K136fs.
Identifiers: ClinVar variation 4818158 (VCV004818158.1).
Genomic context (GRCh38, chr8:76,983,770, plus strand): 5'-AAATCAAAAAATTAATCAGCCCACCTAATTTCAAAAGTCCAATCACAAAATTCACACACT[GC>G]TTGACTTTCCCAAATGATGCTAAATGATGGTTTCGAAACAAATCATAGCATCGTTCTTCT-3'